The following is an entry in ClinVar:

ClinVar aggregate classification (germline): Uncertain significance (1 of 4 stars; one submission).

Conditions:
F13A1-related disorder. Also called: F13A1-related condition.

gnomAD v4.1: 13 of 1,614,124 alleles (0.00081%); highest among the groups gnomAD compares: Non-Finnish European, 0.0011%; no homozygotes.

Submission:

PreventionGenetics, part of Exact Sciences
Classification: Uncertain significance for F13A1-related condition. Last evaluated: 2025-07-29. Review status: criteria provided, single submitter. Criteria: ACMG Guidelines, 2015. Collection method: clinical testing. Allele origin: germline.
Comment: The F13A1 c.2171T>C variant is predicted to result in the amino acid substitution p.Val724Ala. To our knowledge, this variant has not been reported in the literature. This variant is reported in 0.00088% of alleles in individuals of European (Non-Finnish) descent in gnomAD. At this time, the clinical significance of this variant is uncertain due to the absence of conclusive functional and genetic evidence.

NM_000129.4(F13A1):c.2171T>C (p.Val724Ala)

Gene: F13A1 (coagulation factor XIII A chain; minus strand). Cytogenetic location: 6p25.1.
Variant type: single nucleotide variant.
Coding change: c.2171T>C on transcript NM_000129.4 (MANE Select); coding-DNA position 2171, T replaced by C.
Protein change: p.Val724Ala; replaces valine 724 with alanine.
Molecular consequence: missense variant.
Genome position (GRCh38, 1-based): chr6:6,145,647, A>G on the plus strand (T>C on the coding strand, the complement: F13A1 is on the minus strand). VCF-style: chr6-6145647-A-G. GRCh37 (hg19) VCF-style: chr6-6145880-A-G.
Other names: short protein forms V724A.
Identifiers: ClinVar variation 4979410 (VCV004979410.1).
Genomic context (GRCh38, chr6:6,145,647, plus strand): 5'-AATGCCAGGGTTCATCTCAGCTTCCTGTGCATTCACATGGAAGGTCGTCTTTGAATCTGC[A>G]CGTCCAGCTCGCCATACACATGTCTCAGGGAGTCACTGCTCATGCTGGCTATCAGCTTCC-3'
Protein context (NP_000120.2, residues 714-732): SLRHVYGELD[Val724Ala]QIQRRPSM